The following is an entry in ClinVar:

NM_006361.6(HOXB13):c.750G>A (p.Ser250=)

Gene: HOXB13 (homeobox B13; minus strand). Cytogenetic location: 17q21.32.
Variant type: single nucleotide variant.
Coding change: c.750G>A on transcript NM_006361.6 (MANE Select); coding-DNA position 750, G replaced by A.
Protein change: p.Ser250=; no amino-acid change (serine 250 retained).
Molecular consequence: synonymous variant.
Genome position (GRCh38, 1-based): chr17:48,726,895, C>T on the plus strand (G>A on the coding strand, the complement: HOXB13 is on the minus strand). VCF-style: chr17-48726895-C-T. GRCh37 (hg19) VCF-style: chr17-46804257-C-T.
Identifiers: ClinVar variation 1153722 (VCV001153722.12), dbSNP rs764201750, ClinGen allele CA8633917.

ClinVar aggregate classification (germline): Benign/Likely benign. Review status: criteria provided, multiple submitters, no conflicts (2 of 4 stars). 3 submissions from 3 submitters: Benign (1); Likely benign (2). Last evaluated 2024-11-27.

Conditions:
Hereditary cancer-predisposing syndrome. Also called: Hereditary neoplastic syndrome; Hereditary Cancer Syndrome; Tumor predisposition; Neoplastic Syndromes, Hereditary. Identifiers: Orphanet 140162, MedGen C0027672, MeSH D009386, MONDO:0015356.
Prostate cancer, hereditary, 9 (HPC9). Identifiers: Orphanet 1331, MedGen C1970250, MONDO:0012597, OMIM 610997.

Allele frequency attached by ClinVar (database versions not stated): gnomAD exomes below 0.00001; ExAC 0.00001.
gnomAD v4.1: 2 of 1,614,090 alleles (0.00012%); highest among the groups gnomAD compares: South Asian, 0.0011%; no homozygotes.

Submissions (3):

Labcorp Genetics (formerly Invitae), Labcorp
Classification: Likely benign. Last evaluated: 2024-11-27. Review status: criteria provided, single submitter. Criteria: Invitae Variant Classification Sherloc (09022015). Collection method: clinical testing. Allele origin: germline.

Myriad Genetics, Inc.
Classification: Benign for Prostate cancer, hereditary, 9. Last evaluated: 2024-10-31. Review status: criteria provided, single submitter. Criteria: Myriad Autosomal Dominant, Autosomal Recessive and X-Linked Classification Criteria (2023). Collection method: clinical testing. Allele origin: unknown.
Comment: This variant is considered benign. This variant is a silent/synonymous amino acid change and it is not expected to impact splicing.

Ambry Genetics
Classification: Likely benign for Hereditary cancer-predisposing syndrome. Last evaluated: 2022-03-03. Review status: criteria provided, single submitter. Criteria: Ambry Variant Classification Scheme 2023. Collection method: clinical testing. Allele origin: germline.